The following is an entry in ClinVar:

ClinVar aggregate classification (germline): Benign/Likely benign. Review status: criteria provided, multiple submitters, no conflicts (2 of 4 stars). 2 submissions from 2 submitters: Benign (1); Likely benign (1). Last evaluated 2026-01-28.

Conditions:
Progressive encephalopathy with leukodystrophy due to DECR deficiency. Identifiers: Orphanet 431361, MedGen C1857252, MONDO:0014464, OMIM 616034.

Allele frequency attached by ClinVar (database versions not stated): TOPMed 0.00169; gnomAD 0.00170 and 0.00176; 1000 Genomes Project 0.00359; 1000 Genomes Project 30x 0.00422.
gnomAD v4.1: 476 of 1,560,744 alleles (0.03%); highest among the groups gnomAD compares: African/African-American, 0.56%; 1 homozygote.

Submissions (2):

Labcorp Genetics (formerly Invitae), Labcorp
Classification: Benign for Progressive encephalopathy with leukodystrophy due to DECR deficiency. Last evaluated: 2026-01-28. Review status: criteria provided, single submitter. Criteria: Invitae Variant Classification Sherloc (09022015). Collection method: clinical testing. Allele origin: germline.

GeneDx
Classification: Likely benign. Last evaluated: 2018-01-04. Review status: criteria provided, single submitter. Criteria: GeneDx Variant Classification (06012015). Collection method: clinical testing. Allele origin: germline. Affected: yes.
Comment: This variant is considered likely benign or benign based on one or more of the following criteria: it is a conservative change, it occurs at a poorly conserved position in the protein, it is predicted to be benign by multiple in silico algorithms, and/or has population frequency not consistent with disease.

NM_001085411.3(NADK2):c.1013-17C>T

Gene: NADK2 (NAD kinase 2, mitochondrial; minus strand). Cytogenetic location: 5p13.2.
Variant type: single nucleotide variant.
Coding change: c.1013-17C>T on transcript NM_001085411.3 (MANE Select); 17 bases into the intron before coding-DNA position 1013, C replaced by T.
Molecular consequence: intron variant.
Genome position (GRCh38, 1-based): chr5:36,200,297, G>A on the plus strand (C>T on the coding strand, the complement: NADK2 is on the minus strand). VCF-style: chr5-36200297-G-A. GRCh37 (hg19) VCF-style: chr5-36200399-G-A.
Other names: c.524-17C>T (NM_153013.5, NM_001287340.2); c.590-17C>T (NM_001287341.2).
Identifiers: ClinVar variation 383909 (VCV000383909.9), dbSNP rs186051640, ClinGen allele CA3234532.